The following is an entry in ClinVar:

ClinVar aggregate classification (germline): Uncertain significance (0 of 4 stars; one submission).

Conditions:
EP300-related disorder. Also called: EP300-related condition; EP300-related disorders.

Submission:

PreventionGenetics, part of Exact Sciences
Classification: Uncertain significance for EP300-related condition. Last evaluated: 2024-04-17. Review status: no assertion criteria provided. Collection method: clinical testing. Allele origin: germline.
Comment: The EP300 c.109T>C variant is predicted to result in the amino acid substitution p.Phe37Leu. To our knowledge, this variant has not been reported in the literature or in a large population database, indicating this variant is rare. At this time, the clinical significance of this variant is uncertain due to the absence of conclusive functional and genetic evidence.

NM_001429.4(EP300):c.109T>C (p.Phe37Leu)

Gene: EP300 (E1A binding protein p300; plus strand). Cytogenetic location: 22q13.2.
Variant type: single nucleotide variant.
Coding change: c.109T>C on transcript NM_001429.4 (MANE Select); coding-DNA position 109, T replaced by C.
Protein change: p.Phe37Leu; replaces phenylalanine 37 with leucine.
Molecular consequence: missense variant.
Genome position (GRCh38, 1-based): chr22:41,117,201, T>C. VCF-style: chr22-41117201-T-C. GRCh37 (hg19) VCF-style: chr22-41513205-T-C.
Other names: c.109T>C, p.Phe37Leu (NM_001362843.2); short protein forms F37L.
Identifiers: ClinVar variation 3349330 (VCV003349330.1).